The following is an entry in ClinVar:

NM_172107.4(KCNQ2):c.958_993dup (p.Val320_Lys331dup)

Gene: KCNQ2 (potassium voltage-gated channel subfamily Q member 2; minus strand). Cytogenetic location: 20q13.33.
Variant type: Duplication.
Coding change: c.958_993dup on transcript NM_172107.4 (MANE Select); coding-DNA positions 958 to 993, 36 bases duplicated.
Protein change: p.Val320_Lys331dup.
Molecular consequence: inframe insertion.
Genome position (GRCh38, 1-based): chr20:63,438,655-63,438,690, 36 bases duplicated; duplicating any 36 consecutive bases within chr20:63,438,655-63,438,694 gives the same sequence; the c. name uses the placement nearest the transcript's 3' end. GRCh37 (hg19): chr20:62,070,012-62,070,047.
Other names: c.958_993dup, p.Val320_Lys331dup (NM_004518.6, NM_172106.3, NM_172108.5 and 1 more transcripts).
Identifiers: ClinVar variation 617505 (VCV000617505.6), dbSNP rs1568925507, ClinGen allele CA913190429.

ClinVar aggregate classification (germline): Pathogenic (0 of 4 stars; one submission).

Conditions:
Developmental and epileptic encephalopathy, 7 (DEE7). Also called: Early infantile epileptic encephalopathy 7; KCNQ2-Related Neonatal-Onset Developmental and Epileptic Encephalopathy (NEO-DEE); KCNQ2-Related Neonatal Epileptic Encephalopathy. Identifiers: Orphanet 439218, MedGen C3150986, MONDO:0013387, OMIM 613720.

Submission:

Translational Oncology and Experimental Therapeutics Program-IBMCC, Consejo Superior de Investigaciones Científicas
Classification: Pathogenic for Developmental and epileptic encephalopathy, 7. Last evaluated: 2018-10-24. Review status: no assertion criteria provided. Collection method: case-control. Allele origin: de novo. Inheritance: Somatic mutation. Affected: yes. Observed: 1 heterozygote.
Comment: ACMG Guidelines, 2015 Method: clinical testing. Delivery was uneventful. Seizures were refractory to phenobarbital but were controlled with phenytoin. Metabolic tests (including CSF studies), karyotype, and brain MRI were normal. Epileptic encephalopathy gene panel was negative including hyperekplexia related genes. Progressive increase of TSH was treated with oral L-t4. V-EEG showed an abnormal background activity, and paroxysmal multifocal discharges that showed activation and generalization during sleep. Treatment with vigabatrine was initiated with a clinical and EEG improvement. Last v-EEG monitoring showed bilateral polyspike discharges and clinical spasms in polygraph recording without any clear EEG correlate. No development of expressive language. This complex and severe neurodevelopmental syndrome could be due to the phenotypic convergence of several genetic alterations whose biological functions contribute to different aspects and the complexity of the clinical phenotype.

Literature cited by the submitters: PubMed 32585800.